The following is an entry in ClinVar:

NM_000096.4(CP):c.652G>A (p.Val218Met)

Gene: CP (ceruloplasmin; minus strand). Cytogenetic location: 3q25.1.
Variant type: single nucleotide variant.
Coding change: c.652G>A on transcript NM_000096.4 (MANE Select); coding-DNA position 652, G replaced by A.
Protein change: p.Val218Met; replaces valine 218 with methionine.
Molecular consequence: missense variant. On other transcripts: non-coding transcript variant (1).
Genome position (GRCh38, 1-based): chr3:149,209,340, C>T on the plus strand (G>A on the coding strand, the complement: CP is on the minus strand). VCF-style: chr3-149209340-C-T. GRCh37 (hg19) VCF-style: chr3-148927127-C-T.
Other names: short protein forms V218M.
Identifiers: ClinVar variation 1439419 (VCV001439419.4), dbSNP rs768603982, ClinGen allele CA85549338.

ClinVar aggregate classification (germline): Uncertain significance (1 of 4 stars; one submission).

Conditions:
Deficiency of ferroxidase (ACEP). Also called: Aceruloplasminemia; Deficiency of ceruloplasmin; NEURODEGENERATION WITH BRAIN IRON ACCUMULATION 10; Ceruloplasmin deficiency; Familial apoceruloplasmin deficiency; Hereditary ceruloplasmin deficiency. Identifiers: Orphanet 48818, MedGen C0878682, MONDO:0011426, OMIM 604290, HP:0025498.

Allele frequency attached by ClinVar (database versions not stated): gnomAD exomes 0.00001 and 0.00002; gnomAD 0.00002; TOPMed 0.00002.
gnomAD v4.1: 26 of 1,613,658 alleles (0.0016%); highest among the groups gnomAD compares: Non-Finnish European, 0.0021%; no homozygotes.

Submission:

Labcorp Genetics (formerly Invitae), Labcorp
Classification: Uncertain significance for Deficiency of ferroxidase. Last evaluated: 2023-05-23. Review status: criteria provided, single submitter. Criteria: Invitae Variant Classification Sherloc (09022015). Collection method: clinical testing. Allele origin: germline.
Comment: This sequence change replaces valine, which is neutral and non-polar, with methionine, which is neutral and non-polar, at codon 218 of the CP protein (p.Val218Met). In summary, the available evidence is currently insufficient to determine the role of this variant in disease. Therefore, it has been classified as a Variant of Uncertain Significance. Advanced modeling of protein sequence and biophysical properties (such as structural, functional, and spatial information, amino acid conservation, physicochemical variation, residue mobility, and thermodynamic stability) performed at Invitae indicates that this missense variant is not expected to disrupt CP protein function. ClinVar contains an entry for this variant (Variation ID: 1439419). This variant has not been reported in the literature in individuals affected with CP-related conditions. This variant is present in population databases (rs768603982, gnomAD 0.003%).